The following is an entry in ClinVar:

ClinVar aggregate classification (germline): Uncertain significance (1 of 4 stars; one submission).

Allele frequency attached by ClinVar (database versions not stated): gnomAD exomes below 0.00001; TOPMed below 0.00001; ExAC 0.00001; gnomAD 0.00001.
gnomAD v4.1: 2 of 1,596,828 alleles (0.00013%); highest among the groups gnomAD compares: Non-Finnish European, 0.00017%; no homozygotes.

Submission:

Labcorp Genetics (formerly Invitae), Labcorp
Classification: Uncertain significance. Last evaluated: 2019-08-31. Review status: criteria provided, single submitter. Criteria: Invitae Variant Classification Sherloc (09022015). Collection method: clinical testing. Allele origin: germline.
Comment: This sequence change replaces aspartic acid with glycine at codon 5 of the CLUAP1 protein (p.Asp5Gly). The aspartic acid residue is moderately conserved and there is a moderate physicochemical difference between aspartic acid and glycine. This variant is present in population databases (rs772659372, ExAC 0.003%). This variant has not been reported in the literature in individuals with CLUAP1-related conditions. Algorithms developed to predict the effect of missense changes on protein structure and function are either unavailable or do not agree on the potential impact of this missense change (SIFT: "Tolerated"; PolyPhen-2: "Possibly Damaging"; Align-GVGD: "Class C0"). In summary, the available evidence is currently insufficient to determine the role of this variant in disease. Therefore, it has been classified as a Variant of Uncertain Significance.

NM_015041.3(CLUAP1):c.14A>G (p.Asp5Gly)

Genes: CLUAP1 (clusterin associated protein 1; plus strand), LOC130058340 (ATAC-STARR-seq lymphoblastoid active region 10324; plus strand). Cytogenetic location: 16p13.3.
Variant type: single nucleotide variant.
Coding change: c.14A>G on transcript NM_015041.3 (MANE Select); coding-DNA position 14, A replaced by G.
Protein change: p.Asp5Gly; replaces aspartic acid 5 with glycine.
Molecular consequence: missense variant.
Genome position (GRCh38, 1-based): chr16:3,501,081, A>G. VCF-style: chr16-3501081-A-G. GRCh37 (hg19) VCF-style: chr16-3551081-A-G.
Other names: c.14A>G, p.Asp5Gly (NM_001330454.2); short protein forms D5G.
Identifiers: ClinVar variation 953622 (VCV000953622.10), dbSNP rs772659372, ClinGen allele CA7863557.
Genomic context (GRCh38, chr16:3,501,081, plus strand): 5'-TGAGGGGCGAGCAGTTGCGACCCTGGGCTCCTGGGGACCTGAGCGTTATGTCTTTCCGCG[A>G]CCTCCGCAGTAAGGCAGCCCCGCGCCCCTGTGACCTGCGGGTCTTCCAGAGATTCAGGGC-3'
Protein context (NP_055856.1, residues 1-15): MSFR[Asp5Gly]LRNFTEMMRA